The following is an entry in ClinVar:

NM_001365536.1(SCN9A):c.2036T>C (p.Met679Thr)

Genes: SCN1A-AS1 (SCN1A and SCN9A antisense RNA 1; plus strand), SCN9A (sodium voltage-gated channel alpha subunit 9; minus strand). Cytogenetic location: 2q24.3.
Variant type: single nucleotide variant.
Coding change: c.2036T>C on transcript NM_001365536.1 (MANE Select); coding-DNA position 2036, T replaced by C.
Protein change: p.Met679Thr; replaces methionine 679 with threonine.
Molecular consequence: missense variant.
Genome position (GRCh38, 1-based): chr2:166,281,747, A>G on the plus strand (T>C on the coding strand, the complement: SCN9A is on the minus strand). VCF-style: chr2-166281747-A-G. GRCh37 (hg19) VCF-style: chr2-167138257-A-G.
Other names: c.2003T>C, p.Met668Thr (NM_002977.4); short protein forms M668T, M679T.
Identifiers: ClinVar variation 1051966 (VCV001051966.9), dbSNP rs781392805, ClinGen allele CA1944354.
Genomic context (GRCh38, chr2:166,281,747, plus strand): 5'-GTGTTTGTTAATATGCTTGCTCTACTCATTGCTCTCTGTCTGAGGTTGGGATCATTCAGC[A>G]TATCCTCTGAAAGGAGATAGGAACTACAACGCCTTTTCTTGTGTATTTGATTGGTCGTGC-3'
Protein context (NP_001352465.1, residues 669-689): RCSSYLLSED[Met679Thr]LNDPNLRQRA

ClinVar aggregate classification (germline): Uncertain significance (1 of 4 stars; one submission).

Conditions:
Neuropathy, hereditary sensory and autonomic, type 2A (HSAN2A). Also called: HSAN IIA; ACROOSTEOLYSIS, GIACCAI TYPE; ACROOSTEOLYSIS, NEUROGENIC; MORVAN DISEASE; NEUROPATHY, CONGENITAL SENSORY; NEUROPATHY, HEREDITARY SENSORY RADICULAR, AUTOSOMAL RECESSIVE. Identifiers: Orphanet 970, MedGen C2752089, MONDO:0024309, OMIM 201300.
Generalized epilepsy with febrile seizures plus, type 7 (GEFSP7). Also called: GEFS+, TYPE 7. Identifiers: Orphanet 36387, MedGen C2751778, MONDO:0013470, OMIM 613863.

Allele frequency attached by ClinVar (database versions not stated): gnomAD exomes below 0.00001; TOPMed below 0.00001; ExAC 0.00001; gnomAD 0.00001.
gnomAD v4.1: 1 of 1,613,120 alleles (0.000062%); highest among the groups gnomAD compares: Non-Finnish European, 0.000085%; no homozygotes.

Submission:

Labcorp Genetics (formerly Invitae), Labcorp
Classification: Uncertain significance for Neuropathy, hereditary sensory and autonomic, type 2A; Generalized epilepsy with febrile seizures plus, type 7. Last evaluated: 2024-03-19. Review status: criteria provided, single submitter. Criteria: Invitae Variant Classification Sherloc (09022015). Collection method: clinical testing. Allele origin: germline.
Comment: This sequence change replaces methionine, which is neutral and non-polar, with threonine, which is neutral and polar, at codon 668 of the SCN9A protein (p.Met668Thr). This variant is present in population databases (rs781392805, gnomAD 0.007%). This variant has not been reported in the literature in individuals affected with SCN9A-related conditions. ClinVar contains an entry for this variant (Variation ID: 1051966). Advanced modeling of protein sequence and biophysical properties (such as structural, functional, and spatial information, amino acid conservation, physicochemical variation, residue mobility, and thermodynamic stability) performed at Invitae indicates that this missense variant is not expected to disrupt SCN9A protein function with a negative predictive value of 95%. In summary, the available evidence is currently insufficient to determine the role of this variant in disease. Therefore, it has been classified as a Variant of Uncertain Significance.